The following is an entry in ClinVar:

ClinVar aggregate classification (germline): Uncertain significance (1 of 4 stars; one submission).

Submission:

GeneDx
Classification: Uncertain significance. Last evaluated: 2026-09-22. Review status: criteria provided, single submitter. Criteria: GeneDx Variant Classification Process June 2021. Collection method: clinical testing. Allele origin: germline.
Comment: Has not been previously published as pathogenic or benign to our knowledge; In silico analysis suggests that this missense variant does not alter protein structure/function; Not observed at significant frequency in large population cohorts (gnomAD)

NM_001923.5(DDB1):c.1018A>G (p.Ser340Gly)

Gene: DDB1 (damage specific DNA binding protein 1; minus strand). Cytogenetic location: 11q12.2.
Variant type: single nucleotide variant.
Coding change: c.1018A>G on transcript NM_001923.5 (MANE Select); coding-DNA position 1018, A replaced by G.
Protein change: p.Ser340Gly; replaces serine 340 with glycine.
Molecular consequence: missense variant.
Genome position (GRCh38, 1-based): chr11:61,322,400, T>C on the plus strand (A>G on the coding strand, the complement: DDB1 is on the minus strand). VCF-style: chr11-61322400-T-C. GRCh37 (hg19) VCF-style: chr11-61089872-T-C.
Other names: short protein forms S340G.
Identifiers: ClinVar variation 3360331 (VCV003360331.2).